The following is an entry in ClinVar:

NM_031372.4(HNRNPDL):c.385A>G (p.Ile129Val)

Gene: HNRNPDL (heterogeneous nuclear ribonucleoprotein D like; minus strand). Cytogenetic location: 4q21.22.
Variant type: single nucleotide variant.
Coding change: c.385A>G on transcript NM_031372.4 (MANE Select); coding-DNA position 385, A replaced by G.
Protein change: p.Ile129Val; replaces isoleucine 129 with valine.
Molecular consequence: missense variant. On other transcripts: non-coding transcript variant (1).
Genome position (GRCh38, 1-based): chr4:82,429,306, T>C on the plus strand (A>G on the coding strand, the complement: HNRNPDL is on the minus strand). VCF-style: chr4-82429306-T-C. GRCh37 (hg19) VCF-style: chr4-83350459-T-C.
Other names: c.385A>G, p.Ile129Val (NM_001207000.1); short protein forms I129V.
Identifiers: ClinVar variation 1962967 (VCV001962967.5), dbSNP rs1468656233, ClinGen allele CA357172474.

ClinVar aggregate classification (germline): Uncertain significance (1 of 4 stars; one submission).

Conditions:
Autosomal dominant limb-girdle muscular dystrophy type 1G (LGMDD3). Also called: Limb-girdle muscular dystrophy, type 1G; MUSCULAR DYSTROPHY, LIMB-GIRDLE, AUTOSOMAL DOMINANT 3. Identifiers: Orphanet 55596, MedGen C1836765, MONDO:0012193, OMIM 609115.

Allele frequency attached by ClinVar (database versions not stated): gnomAD exomes 0.00001; TOPMed 0.00001.
gnomAD v4.1: 12 of 1,613,840 alleles (0.00074%); highest among the groups gnomAD compares: Admixed American, 0.0033%; no homozygotes.

Submission:

Labcorp Genetics (formerly Invitae), Labcorp
Classification: Uncertain significance for Autosomal dominant limb-girdle muscular dystrophy type 1G. Last evaluated: 2022-09-29. Review status: criteria provided, single submitter. Criteria: Invitae Variant Classification Sherloc (09022015). Collection method: clinical testing. Allele origin: germline.
Comment: This variant has not been reported in the literature in individuals affected with HNRNPDL-related conditions. In summary, the available evidence is currently insufficient to determine the role of this variant in disease. Therefore, it has been classified as a Variant of Uncertain Significance. Algorithms developed to predict the effect of missense changes on protein structure and function are either unavailable or do not agree on the potential impact of this missense change (SIFT: "Deleterious"; PolyPhen-2: "Benign"; Align-GVGD: "Class C0"). This variant is present in population databases (no rsID available, gnomAD 0.006%). This sequence change replaces isoleucine, which is neutral and non-polar, with valine, which is neutral and non-polar, at codon 129 of the HNRNPDL protein (p.Ile129Val).